The following is an entry in ClinVar:

ClinVar aggregate classification (germline): Uncertain significance (1 of 4 stars; one submission).

Submission:

GeneDx
Classification: Uncertain significance. Last evaluated: 2021-05-06. Review status: criteria provided, single submitter. Criteria: GeneDx Variant Classification Process June 2021. Collection method: clinical testing. Allele origin: germline. Affected: yes.
Comment: Not observed in large population cohorts (Lek et al., 2016); In silico analysis supports that this missense variant does not alter protein structure/function; Has not been previously published as pathogenic or benign to our knowledge

NM_006950.3(SYN1):c.1787G>T (p.Gly596Val)

Gene: SYN1 (synapsin I; minus strand). Cytogenetic location: Xp11.3.
Variant type: single nucleotide variant.
Coding change: c.1787G>T on transcript NM_006950.3 (MANE Select); coding-DNA position 1787, G replaced by T.
Protein change: p.Gly596Val; replaces glycine 596 with valine.
Molecular consequence: missense variant.
Genome position (GRCh38, 1-based): chrX:47,574,197, C>A on the plus strand (G>T on the coding strand, the complement: SYN1 is on the minus strand). VCF-style: chrX-47574197-C-A. GRCh37 (hg19) VCF-style: chrX-47433596-C-A.
Other names: c.1787G>T, p.Gly596Val (NM_133499.2); short protein forms G596V.
Identifiers: ClinVar variation 1320752 (VCV001320752.2), dbSNP rs2147912096, ClinGen allele CA412822574.